The following is an entry in ClinVar:

ClinVar aggregate classification (germline): Uncertain significance. Review status: criteria provided, multiple submitters, no conflicts (2 of 4 stars). 2 submissions from 2 submitters: Uncertain significance (2). Last evaluated 2026-05-11.

Conditions:
TRIM32-related disorder. Also called: TRIM32-related condition.
Bardet-Biedl syndrome (BBS). Identifiers: Orphanet 110, MedGen C0752166, MONDO:0015229.

gnomAD v4.1: 9 of 1,613,994 alleles (0.00056%); highest among the groups gnomAD compares: South Asian, 0.0077%; no homozygotes.

Submissions (2):

PreventionGenetics, part of Exact Sciences
Classification: Uncertain significance for TRIM32-related condition. Last evaluated: 2026-05-11. Review status: criteria provided, single submitter. Criteria: ACMG Guidelines, 2015. Collection method: clinical testing. Allele origin: germline.
Comment: The TRIM32 c.713G>T variant is predicted to result in the amino acid substitution p.Arg238Leu. To our knowledge, this variant has not been reported in the literature. This variant is reported in 0.0033% of alleles in individuals of South Asian descent in gnomAD. At this time, the clinical significance of this variant is uncertain due to the absence of conclusive functional and genetic evidence.

Labcorp Genetics (formerly Invitae), Labcorp
Classification: Uncertain significance for Bardet-Biedl syndrome. Last evaluated: 2021-09-12. Review status: criteria provided, single submitter. Criteria: Invitae Variant Classification Sherloc (09022015). Collection method: clinical testing. Allele origin: germline.
Comment: This sequence change replaces arginine with leucine at codon 238 of the TRIM32 protein (p.Arg238Leu). The arginine residue is highly conserved and there is a moderate physicochemical difference between arginine and leucine. This variant is not present in population databases (ExAC no frequency). This variant has not been reported in the literature in individuals affected with TRIM32-related conditions. Algorithms developed to predict the effect of missense changes on protein structure and function are either unavailable or do not agree on the potential impact of this missense change (SIFT: "Deleterious"; PolyPhen-2: "Benign"; Align-GVGD: "Class C65"). In summary, the available evidence is currently insufficient to determine the role of this variant in disease. Therefore, it has been classified as a Variant of Uncertain Significance.

NM_012210.4(TRIM32):c.713G>T (p.Arg238Leu)

Genes: ASTN2 (astrotactin 2; minus strand), TRIM32 (tripartite motif containing 32; plus strand). Cytogenetic location: 9q33.1.
Variant type: single nucleotide variant.
Coding change: c.713G>T on transcript NM_012210.4 (MANE Select); coding-DNA position 713, G replaced by T.
Protein change: p.Arg238Leu; replaces arginine 238 with leucine.
Molecular consequence: missense variant. On other transcripts: intron variant (3).
Genome position (GRCh38, 1-based): chr9:116,698,455, G>T. VCF-style: chr9-116698455-G-T. GRCh37 (hg19) VCF-style: chr9-119460734-G-T.
Other names: c.713G>T, p.Arg238Leu (NM_001099679.2, NM_001379048.1, NM_001379049.1 and 1 more transcripts); c.2653+27316C>A (NM_014010.5); c.2794+27316C>A (NM_001365069.1); c.2806+27316C>A (NM_001365068.1); short protein forms R238L.
Identifiers: ClinVar variation 1063782 (VCV001063782.4), dbSNP rs564290779, ClinGen allele CA374649538.